The following is an entry in ClinVar:

ClinVar aggregate classification (germline): Uncertain significance (1 of 4 stars; one submission).

Conditions:
Atypical hemolytic-uremic syndrome. Identifiers: Orphanet 2134, MedGen C2931788, MONDO:0016244.

Submission:

Genomenon, Inc
Classification: Uncertain significance for Atypical hemolytic-uremic syndrome. Last evaluated: 2025-10-02. Review status: criteria provided, single submitter. Criteria: Genomenon Sequence Variant Interpretation Standards. Collection method: curation. Allele origin: germline. Affected: no.
Comment: CD46 p.Gly130Ala (c.389G>C) is a missense variant that changes the amino acid at residue 130 from Glycine to Alanine. This variant has been reported in the published literature (PMID:10960475). It is absent or not present at a significant frequency in gnomAD. In silico models agree that this variant is possibly or probably damaging. In conclusion, we classify CD46 p.Gly130Ala (c.389G>C) as a variant of uncertain significance.

Literature cited by the submitters: PubMed 10960475.

NM_172351.3(CD46):c.389G>C (p.Gly130Ala)

Gene: CD46 (CD46 molecule; plus strand). Cytogenetic location: 1q32.2.
Variant type: single nucleotide variant.
Coding change: c.389G>C on transcript NM_172351.3 (MANE Select); coding-DNA position 389, G replaced by C.
Protein change: p.Gly130Ala; replaces glycine 130 with alanine.
Molecular consequence: missense variant.
Genome position (GRCh38, 1-based): chr1:207,757,642, G>C. VCF-style: chr1-207757642-G-C. GRCh37 (hg19) VCF-style: chr1-207930987-G-C.
Other names: c.389G>C, p.Gly130Ala (NM_002389.4, NM_153826.4, NM_172350.3 and 8 more transcripts); short protein forms G130A.
Identifiers: ClinVar variation 4291263 (VCV004291263.1).